The following is an entry in ClinVar:

NM_001395413.1(POR):c.1991A>C (p.Lys664Thr)

Gene: POR (cytochrome p450 oxidoreductase; plus strand). Cytogenetic location: 7q11.23.
Variant type: single nucleotide variant.
Coding change: c.1991A>C on transcript NM_001395413.1 (MANE Select); coding-DNA position 1991, A replaced by C.
Protein change: p.Lys664Thr; replaces lysine 664 with threonine.
Molecular consequence: missense variant.
Genome position (GRCh38, 1-based): chr7:75,986,438, A>C. VCF-style: chr7-75986438-A-C. GRCh37 (hg19) VCF-style: chr7-75615756-A-C.
Other names: c.2000A>C (NM_000941.2); c.1991A>C, p.Lys664Thr (NM_001367562.3, NM_001382657.2, NM_001382658.3 and 1 more transcripts); c.2045A>C, p.Lys682Thr (NM_001382655.3); c.1841A>C, p.Lys614Thr (NM_001382662.3); short protein forms K614T, K664T, K682T.
Identifiers: ClinVar variation 1426753 (VCV001426753.6), dbSNP rs782588164, ClinGen allele CA4304398.
Genomic context (GRCh38, chr7:75,986,438, plus strand): 5'-ACGACATCGTGGCTGAGCTCGGGGCCATGGAGCACGCGCAGGCGGTGGACTACATCAAGA[A>C]ACTGATGACCAAGGGCCGCTACTCCCTGGACGTGTGGAGCTAGGGGCCTGCCTGCCCCAC-3'
Protein context (NP_001382342.1, residues 654-674): EHAQAVDYIK[Lys664Thr]LMTKGRYSLD

ClinVar aggregate classification (germline): Uncertain significance. Review status: criteria provided, multiple submitters, no conflicts (2 of 4 stars). 2 submissions from 2 submitters: Uncertain significance (2). Last evaluated 2024-04-24.

Conditions:
Inborn genetic diseases. Identifiers: MedGen C0950123, MeSH D030342.
Congenital adrenal hyperplasia due to cytochrome P450 oxidoreductase deficiency. Also called: DISORDERED STEROIDOGENESIS DUE TO POR DEFICIENCY. Identifiers: Orphanet 95699, MedGen C1860042, MONDO:0013310, OMIM 613571.

Allele frequency attached by ClinVar (database versions not stated): gnomAD 0.00001; gnomAD exomes 0.00001 and 0.00003; TOPMed 0.00001; ExAC 0.00004.
gnomAD v4.1: 9 of 1,612,146 alleles (0.00056%); highest among the groups gnomAD compares: Admixed American, 0.015%; no homozygotes.

Submissions (2):

Ambry Genetics
Classification: Uncertain significance for Inborn genetic diseases. Last evaluated: 2024-04-24. Review status: criteria provided, single submitter. Criteria: Ambry Variant Classification Scheme 2023. Collection method: clinical testing. Allele origin: germline.

Labcorp Genetics (formerly Invitae), Labcorp
Classification: Uncertain significance for Congenital adrenal hyperplasia due to cytochrome P450 oxidoreductase deficiency. Last evaluated: 2021-09-17. Review status: criteria provided, single submitter. Criteria: Invitae Variant Classification Sherloc (09022015). Collection method: clinical testing. Allele origin: germline.
Comment: This sequence change replaces lysine with threonine at codon 667 of the POR protein (p.Lys667Thr). The lysine residue is highly conserved and there is a moderate physicochemical difference between lysine and threonine. This variant is present in population databases (rs782588164, ExAC 0.04%). This variant has not been reported in the literature in individuals with POR-related conditions. Algorithms developed to predict the effect of missense changes on protein structure and function are either unavailable or do not agree on the potential impact of this missense change (SIFT: "Deleterious"; PolyPhen-2: "Benign"; Align-GVGD: "Class C0"). In summary, the available evidence is currently insufficient to determine the role of this variant in disease. Therefore, it has been classified as a Variant of Uncertain Significance.